The following is an entry in ClinVar:

NM_015046.7(SETX):c.3211T>A (p.Phe1071Ile)

Gene: SETX (senataxin; minus strand). Cytogenetic location: 9q34.13.
Variant type: single nucleotide variant.
Coding change: c.3211T>A on transcript NM_015046.7 (MANE Select); coding-DNA position 3211, T replaced by A.
Protein change: p.Phe1071Ile; replaces phenylalanine 1071 with isoleucine.
Molecular consequence: missense variant.
Genome position (GRCh38, 1-based): chr9:132,328,387, A>T on the plus strand (T>A on the coding strand, the complement: SETX is on the minus strand). VCF-style: chr9-132328387-A-T. GRCh37 (hg19) VCF-style: chr9-135203774-A-T.
Other names: c.3211T>A, p.Phe1071Ile (NM_001351527.2, NM_001351528.2); short protein forms F1071I.
Identifiers: ClinVar variation 1728947 (VCV001728947.2), dbSNP rs2539112167, ClinGen allele CA375331586.

ClinVar aggregate classification (germline): Uncertain significance (1 of 4 stars; one submission).

Conditions:
Inborn genetic diseases. Identifiers: MedGen C0950123, MeSH D030342.

Submission:

Ambry Genetics
Classification: Uncertain significance for Inborn genetic diseases. Last evaluated: 2020-02-19. Review status: criteria provided, single submitter. Criteria: Ambry Variant Classification Scheme 2023. Collection method: clinical testing. Allele origin: germline.
Comment: The p.F1071I variant (also known as c.3211T>A), located in coding exon 8 of the SETX gene, results from a T to A substitution at nucleotide position 3211. The phenylalanine at codon 1071 is replaced by isoleucine, an amino acid with highly similar properties. This amino acid position is poorly conserved in available vertebrate species. In addition, this variant is predicted to be tolerated by in silico analysis. This variant was not reported in population-based cohorts in the Genome Aggregation Database (gnomAD). Since supporting evidence is limited at this time, the clinical significance of this alteration remains unclear.